The following is an entry in ClinVar:

NM_006206.6(PDGFRA):c.1787-2A>G

Gene: PDGFRA (platelet derived growth factor receptor alpha; plus strand). Cytogenetic location: 4q12.
Variant type: single nucleotide variant.
Coding change: c.1787-2A>G on transcript NM_006206.6 (MANE Select); the canonical splice acceptor site of the intron before coding-DNA position 1787, A replaced by G.
Molecular consequence: splice acceptor variant.
Genome position (GRCh38, 1-based): chr4:54,277,386, A>G. VCF-style: chr4-54277386-A-G. GRCh37 (hg19) VCF-style: chr4-55143553-A-G.
Other names: c.1862-2A>G (NM_001347828.2); c.1787-2A>G (NM_001347827.2, NM_001347829.2); c.1826-2A>G (NM_001347830.2).
Identifiers: ClinVar variation 2109341 (VCV002109341.4), dbSNP rs2110308145, ClinGen allele CA356893322.

ClinVar aggregate classification (germline): Uncertain significance (1 of 4 stars; one submission).

Conditions:
Gastrointestinal stromal tumor. Also called: Gastrointestinal stroma tumor; Gastrointestinal stromal tumor, somatic. Identifiers: Orphanet 44890, MedGen C0238198, MeSH D046152, MONDO:0011719, OMIM 606764, HP:0100723.

Submission:

Labcorp Genetics (formerly Invitae), Labcorp
Classification: Uncertain significance for Gastrointestinal stromal tumor. Last evaluated: 2022-03-11. Review status: criteria provided, single submitter. Criteria: Invitae Variant Classification Sherloc (09022015). Collection method: clinical testing. Allele origin: germline.
Comment: This sequence change affects an acceptor splice site in intron 12 of the PDGFRA gene. It is expected to disrupt RNA splicing. Variants that disrupt the donor or acceptor splice site typically lead to a loss of protein function (PMID: 16199547), however the current clinical and genetic evidence is not sufficient to establish whether loss-of-function variants in PDGFRA cause disease. This variant is not present in population databases (gnomAD no frequency). This variant has not been reported in the literature in individuals affected with PDGFRA-related conditions. Algorithms developed to predict the effect of sequence changes on RNA splicing suggest that this variant may disrupt the consensus splice site. In summary, the available evidence is currently insufficient to determine the role of this variant in disease. Therefore, it has been classified as a Variant of Uncertain Significance.

Literature cited by the submitters: PubMed 16199547.